The following is an entry in ClinVar:

NM_006031.6(PCNT):c.1650A>C (p.Glu550Asp)

Gene: PCNT (pericentrin; plus strand). Cytogenetic location: 21q22.3.
Variant type: single nucleotide variant.
Coding change: c.1650A>C on transcript NM_006031.6 (MANE Select); coding-DNA position 1650, A replaced by C.
Protein change: p.Glu550Asp; replaces glutamic acid 550 with aspartic acid.
Molecular consequence: missense variant.
Genome position (GRCh38, 1-based): chr21:46,353,297, A>C. VCF-style: chr21-46353297-A-C. GRCh37 (hg19) VCF-style: chr21-47773211-A-C.
Other names: c.1296A>C, p.Glu432Asp (NM_001315529.2); short protein forms E432D, E550D.
Identifiers: ClinVar variation 3345159 (VCV003345159.1).
Genomic context (GRCh38, chr21:46,353,297, plus strand): 5'-TGAGAAAACTTACCAAGAAGACCTAACCCTGTTACAGCAGAGGCTGCAGGGGGCGAGGGA[A>C]GATGCTCTTCTGGACTCTGTGGAAGTTGGGTAAGCAAAGCAGTTCCAGCCTCAGTGAGTT-3'
Protein context (NP_006022.3, residues 540-560): LLQQRLQGAR[Glu550Asp]DALLDSVEVG

ClinVar aggregate classification (germline): Uncertain significance (0 of 4 stars; one submission).

Conditions:
PCNT-related disorder. Also called: PCNT-related condition.

Submission:

PreventionGenetics, part of Exact Sciences
Classification: Uncertain significance for PCNT-related condition. Last evaluated: 2024-05-21. Review status: no assertion criteria provided. Collection method: clinical testing. Allele origin: germline.
Comment: The PCNT c.1650A>C variant is predicted to result in the amino acid substitution p.Glu550Asp. To our knowledge, this variant has not been reported in the literature or in a large population database, indicating this variant is rare. At this time, the clinical significance of this variant is uncertain due to the absence of conclusive functional and genetic evidence.